The following is an entry in ClinVar:

ClinVar aggregate classification (germline): Uncertain significance (1 of 4 stars; one submission).

gnomAD v4.1: 1 of 1,614,110 alleles (0.000062%); highest among the groups gnomAD compares: Non-Finnish European, 0.000085%; no homozygotes.

Submission:

GeneDx
Classification: Uncertain significance. Last evaluated: 2024-05-23. Review status: criteria provided, single submitter. Criteria: GeneDx Variant Classification Process June 2021. Collection method: clinical testing. Allele origin: germline. Affected: yes.
Comment: Not observed at significant frequency in large population cohorts (gnomAD); In silico analysis supports that this missense variant does not alter protein structure/function; Has not been previously published as pathogenic or benign to our knowledge

NM_025243.4(SLC19A3):c.271A>G (p.Ile91Val)

Gene: SLC19A3 (solute carrier family 19 member 3; minus strand). Cytogenetic location: 2q36.3.
Variant type: single nucleotide variant.
Coding change: c.271A>G on transcript NM_025243.4 (MANE Select); coding-DNA position 271, A replaced by G.
Protein change: p.Ile91Val; replaces isoleucine 91 with valine.
Molecular consequence: missense variant.
Genome position (GRCh38, 1-based): chr2:227,699,444, T>C on the plus strand (A>G on the coding strand, the complement: SLC19A3 is on the minus strand). VCF-style: chr2-227699444-T-C. GRCh37 (hg19) VCF-style: chr2-228564160-T-C.
Other names: c.271A>G, p.Ile91Val (NM_001371411.1, NM_001371412.1); c.259A>G, p.Ile87Val (NM_001371413.1, NM_001371414.1); short protein forms I87V, I91V.
Identifiers: ClinVar variation 3252296 (VCV003252296.1), dbSNP rs1695586986.
Genomic context (GRCh38, chr2:227,699,444, plus strand): 5'-ACTCTACAACCTGCATGGTCTTCACTCCTTGGCCAAACAACAGCAGCAGCCAGGTAATGA[T>C]GAAACTGATACCTTGCAAGATGATGACTGGCTTGTAGCGGACATAATCGGTGAGGACAAA-3'
Protein context (NP_079519.1, residues 81-101): PVIILQGISF[Ile91Val]ITWLLLLFGQ